The following is an entry in ClinVar:

ClinVar aggregate classification (germline): Likely benign (1 of 4 stars; one submission).

Conditions:
NPHP4-related disorder. Also called: NPHP4-related condition; NPHP4-related disorders. Identifiers: MedGen CN239384.

gnomAD v4.1: 1 of 1,611,392 alleles (0.000062%); highest among the groups gnomAD compares: Non-Finnish European, 0.000085%; no homozygotes.

Submission:

PreventionGenetics, part of Exact Sciences
Classification: Likely benign for NPHP4-related condition. Last evaluated: 2026-03-12. Review status: criteria provided, single submitter. Criteria: ACMG Guidelines, 2015. Collection method: clinical testing. Allele origin: germline.
Comment: This variant is classified as likely benign based on ACMG/AMP sequence variant interpretation guidelines (Richards et al. 2015 PMID: 25741868, with internal and published modifications).

NM_015102.5(NPHP4):c.1809C>T (p.Ser603=)

Gene: NPHP4 (nephrocystin 4; minus strand). Cytogenetic location: 1p36.31.
Variant type: single nucleotide variant.
Coding change: c.1809C>T on transcript NM_015102.5 (MANE Select); coding-DNA position 1809, C replaced by T.
Protein change: p.Ser603=; no amino-acid change (serine 603 retained).
Molecular consequence: synonymous variant. On other transcripts: non-coding transcript variant (1).
Genome position (GRCh38, 1-based): chr1:5,905,438, G>A on the plus strand (C>T on the coding strand, the complement: NPHP4 is on the minus strand). VCF-style: chr1-5905438-G-A. GRCh37 (hg19) VCF-style: chr1-5965498-G-A.
Other names: c.270C>T, p.Ser90= (NM_001291593.2); c.273C>T, p.Ser91= (NM_001291594.2).
Identifiers: ClinVar variation 4992976 (VCV004992976.1).
Genomic context (GRCh38, chr1:5,905,438, plus strand): 5'-TGTAGCGCTGACAGCCTCGGCTGGCTGTTTATTGGCATCCAGAATCTCGGGAAAGCCGGA[G>A]GACTGCAGGAGCACCATGGAGGCTCTCGAGGGCTGCCCTGCAGAGCTGAGACACAGAGAC-3'
Protein context (NP_055917.1, residues 593-613): PSRASMVLLQ[Ser603=]SGFPEILDAN